The following is an entry in ClinVar:

NM_000059.4(BRCA2):c.9837A>G (p.Leu3279=)

Gene: BRCA2 (BRCA2 DNA repair associated; plus strand). Cytogenetic location: 13q13.1.
Variant type: single nucleotide variant.
Coding change: c.9837A>G on transcript NM_000059.4 (MANE Select); coding-DNA position 9837, A replaced by G.
Protein change: p.Leu3279=; no amino-acid change (leucine 3279 retained).
Molecular consequence: synonymous variant.
Genome position (GRCh38, 1-based): chr13:32,398,350, A>G. VCF-style: chr13-32398350-A-G. GRCh37 (hg19) VCF-style: chr13-32972487-A-G.
Other names: p.L3279L:TTA>TTG.
Identifiers: ClinVar variation 182303 (VCV000182303.27), dbSNP rs730881598, ClinGen allele CA026309.

ClinVar aggregate classification (germline): Likely benign. Review status: reviewed by expert panel (3 of 4 stars). 8 submissions from 8 submitters: Likely benign (1). 7 of the submissions do not count toward it. Last evaluated 2017-06-29.

Conditions:
Hereditary cancer-predisposing syndrome. Also called: Tumor predisposition; Hereditary Cancer Syndrome; Hereditary neoplastic syndrome; Neoplastic Syndromes, Hereditary. Identifiers: Orphanet 140162, MedGen C0027672, MeSH D009386, MONDO:0015356.
Hereditary breast ovarian cancer syndrome. Also called: Breast and ovarian cancer; Hereditary breast and ovarian cancer syndrome; Hereditary breast and ovarian cancer; BRCA1- and BRCA2-Associated Hereditary Breast and Ovarian Cancer; Hereditary breast and ovarian cancer syndrome (HBOC); Hereditary breast and/or ovarian cancer syndrome. Identifiers: Orphanet 145, MedGen C0677776, MeSH D061325, MONDO:0003582. Disease mechanism: loss of function.
Breast-ovarian cancer, familial, susceptibility to, 2 (BROVCA2). Also called: BRCA2 Hereditary Breast and Ovarian Cancer. Identifiers: Orphanet 145, MedGen C2675520, MONDO:0012933, OMIM 612555. Disease mechanism: loss of function.

Allele frequency attached by ClinVar (database versions not stated): gnomAD exomes below 0.00001 and 0.00001; TOPMed 0.00002.
gnomAD v4.1: 2 of 1,614,096 alleles (0.00012%); highest among the groups gnomAD compares: Non-Finnish European, 0.00017%; no homozygotes.

Submissions (8):

Evidence-based Network for the Interpretation of Germline Mutant Alleles (ENIGMA)
Classification: Likely benign for Breast-ovarian cancer, familial, susceptibility to, 2. Last evaluated: 2017-06-29. Review status: reviewed by expert panel. Criteria: ENIGMA BRCA1/2 Classification Criteria (2017-06-29). Collection method: curation. Allele origin: germline.
Comment: Synonymous substitution variant, with low bioinformatic likelihood to result in a splicing aberration (Splicing prior probability 0.02).

Labcorp Genetics (formerly Invitae), Labcorp
Classification: Likely benign for Hereditary breast ovarian cancer syndrome. Last evaluated: 2025-10-23. Review status: criteria provided, single submitter. Criteria: Invitae Variant Classification Sherloc (09022015). Collection method: clinical testing. Allele origin: germline. Not counted in ClinVar's aggregate classification.

Quest Diagnostics Nichols Institute San Juan Capistrano
Classification: Likely benign. Last evaluated: 2020-05-01. Review status: criteria provided, single submitter. Criteria: Quest Diagnostics criteria. Collection method: clinical testing. Allele origin: unknown. Not counted in ClinVar's aggregate classification.

Color Diagnostics, LLC DBA Color Health
Classification: Likely benign for Hereditary cancer-predisposing syndrome. Last evaluated: 2017-11-30. Review status: criteria provided, single submitter. Criteria: ACMG Guidelines, 2015. Collection method: clinical testing. Allele origin: germline. Not counted in ClinVar's aggregate classification.

Women's Health and Genetics/Laboratory Corporation of America, LabCorp
Classification: Likely benign. Last evaluated: 2017-02-13. Review status: criteria provided, single submitter. Criteria: LabCorp Variant Classification Summary - May 2015. Collection method: clinical testing. Allele origin: germline. Not counted in ClinVar's aggregate classification.
Comment: Variant summary: The BRCA2 c.9837A>G (p.Leu3279Leu) variant causes a synonymous change involving the alteration of a non-conserved nucleotide, which 5/5 splice prediction tools predict no significant impact on normal splicing and ESE finder predicts that this variant may create an ESE binding site for SC35. However, these predictions have yet to be confirmed by functional studies. The variant of interest has not been observed in controls (ExAC, 1000 Gs, or ESP), nor has it been reported, to our knowledge, in affected individuals via publications. In addition, multiple clinical diagnostic laboratories/reputable databases classified this variant as benign/likely benign. Taken together, this variant is classified as "Likely Benign."

Ambry Genetics
Classification: Likely benign for Hereditary cancer-predisposing syndrome. Last evaluated: 2015-01-14. Review status: criteria provided, single submitter. Criteria: Ambry Variant Classification Scheme 2023. Collection method: clinical testing. Allele origin: germline. Not counted in ClinVar's aggregate classification.

GeneDx
Classification: Benign. Last evaluated: 2014-06-20. Review status: criteria provided, single submitter. Criteria: GeneDx Variant Classification (06012015). Collection method: clinical testing. Allele origin: germline. Affected: yes. Not counted in ClinVar's aggregate classification.
Comment: This variant is considered likely benign or benign based on one or more of the following criteria: it is a conservative change, it occurs at a poorly conserved position in the protein, it is predicted to be benign by multiple in silico algorithms, and/or has population frequency not consistent with disease.

Counsyl
Classification: Likely benign for Breast-ovarian cancer, familial, susceptibility to, 2. Last evaluated: 2016-10-03. Review status: no assertion criteria provided. Collection method: clinical testing. Allele origin: unknown. Not counted in ClinVar's aggregate classification.

Literature cited by the submitters: PubMed 25451944 (cited by 3 submitters).